The following is an entry in ClinVar:

ClinVar aggregate classification (germline): Likely benign. Review status: criteria provided, multiple submitters, no conflicts (2 of 4 stars). 2 submissions from 2 submitters: Likely benign (2). Last evaluated 2025-06-18.

Conditions:
Inborn genetic diseases. Identifiers: MedGen C0950123, MeSH D030342.

Allele frequency attached by ClinVar (database versions not stated): ExAC 0.00080; 1000 Genomes Project 30x 0.00016.

Submissions (2):

Mayo Clinic Laboratories, Mayo Clinic
Classification: Likely benign. Last evaluated: 2025-06-18. Review status: criteria provided, single submitter. Criteria: ACMG Guidelines, 2015. Collection method: clinical testing. Allele origin: germline. Observed: 1 variant allele.
Comment: BP4_moderate

Ambry Genetics
Classification: Likely benign for Inborn genetic diseases. Last evaluated: 2022-06-03. Review status: criteria provided, single submitter. Criteria: Ambry Variant Classification Scheme 2023. Collection method: clinical testing. Allele origin: germline.

NM_018116.4(MSTO1):c.442G>A (p.Ala148Thr)

Gene: MSTO1 (misato mitochondrial distribution and morphology regulator 1; plus strand). Cytogenetic location: 1q22.
Variant type: single nucleotide variant.
Coding change: c.442G>A on transcript NM_018116.4 (MANE Select); coding-DNA position 442, G replaced by A.
Protein change: p.Ala148Thr; replaces alanine 148 with threonine.
Molecular consequence: missense variant. On other transcripts: 5 prime UTR variant (13), non-coding transcript variant (5).
Genome position (GRCh38, 1-based): chr1:155,611,709, G>A. VCF-style: chr1-155611709-G-A. GRCh37 (hg19) VCF-style: chr1-155581500-G-A.
Other names: p.Ala148Thr; c.-164G>A (NM_001350789.1, NM_001350784.1, NM_001350785.1 and 1 more transcripts); c.442G>A (NM_018116.3); c.442G>A, p.Ala148Thr (NM_001256532.1, NM_001256533.1, NM_001350772.1 and 3 more transcripts); c.277G>A, p.Ala93Thr (NM_001350776.1); c.-115G>A (NM_001350777.1, NM_001350778.1, NM_001350779.1); c.-93G>A (NM_001350780.1, NM_001350781.1, NM_001350782.1 and 3 more transcripts); short protein forms A93T, A148T.
Identifiers: ClinVar variation 2345995 (VCV002345995.3), dbSNP rs770785261, ClinGen allele CA1147935.